The following is an entry in ClinVar:

NM_020713.3(ZNF512B):c.1830C>T (p.Gly610=)

Gene: ZNF512B (zinc finger protein 512B; minus strand). Cytogenetic location: 20q13.33.
Variant type: single nucleotide variant.
Coding change: c.1830C>T on transcript NM_020713.3 (MANE Select); coding-DNA position 1830, C replaced by T.
Protein change: p.Gly610=; no amino-acid change (glycine 610 retained).
Molecular consequence: synonymous variant.
Genome position (GRCh38, 1-based): chr20:63,963,233, G>A on the plus strand (C>T on the coding strand, the complement: ZNF512B is on the minus strand). VCF-style: chr20-63963233-G-A. GRCh37 (hg19) VCF-style: chr20-62594586-G-A.
Identifiers: ClinVar variation 2652564 (VCV002652564.24), dbSNP rs2517563817, ClinGen allele CA511665604.

ClinVar aggregate classification (germline): Likely benign (1 of 4 stars; one submission).

Allele frequency attached by ClinVar (database versions not stated): gnomAD exomes 0.00001.
gnomAD v4.1: 8 of 1,548,090 alleles (0.00052%); highest among the groups gnomAD compares: African/African-American, 0.0068%; no homozygotes.

Submission:

CeGaT Center for Human Genetics Tuebingen
Classification: Likely benign. Last evaluated: 2022-08-01. Review status: criteria provided, single submitter. Criteria: CeGaT Center For Human Genetics Tuebingen Variant Classification Criteria Version 2. Collection method: clinical testing. Allele origin: germline. Affected: yes. Observed: 1 variant allele.
Comment: ZNF512B: PM2:Supporting, BP4, BP7